The following is an entry in ClinVar:

ClinVar aggregate classification (germline): Uncertain significance. Review status: criteria provided, multiple submitters, no conflicts (2 of 4 stars). 6 submissions from 6 submitters: Uncertain significance (5). 1 of the submissions does not count toward it. Last evaluated 2026-03-16.

Conditions:
Intellectual disability, autosomal dominant 16 (CSS4). Also called: COFFIN-SIRIS SYNDROME 4. Identifiers: Orphanet 1465, MedGen C3553249, MONDO:0013821, OMIM 614609.
SMARCA4-related disorder. Also called: SMARCA4-related condition.
Hereditary cancer-predisposing syndrome. Also called: Hereditary neoplastic syndrome; Neoplastic Syndromes, Hereditary; Hereditary Cancer Syndrome; Tumor predisposition. Identifiers: Orphanet 140162, MedGen C0027672, MeSH D009386, MONDO:0015356.
Rhabdoid tumor predisposition syndrome 2 (RTPS2). Identifiers: Orphanet 231108, Orphanet 69077, MedGen C2750074, MONDO:0013224, OMIM 613325.

Allele frequency attached by ClinVar (database versions not stated): TOPMed below 0.00001; gnomAD 0.00001; gnomAD exomes 0.00001; ExAC 0.00002.
gnomAD v4.1: 13 of 1,613,238 alleles (0.00081%); highest among the groups gnomAD compares: Admixed American, 0.005%; no homozygotes.

Submissions (6):

Ambry Genetics
Classification: Uncertain significance for Hereditary cancer-predisposing syndrome. Last evaluated: 2026-03-16. Review status: criteria provided, single submitter. Criteria: Ambry Variant Classification Scheme 2023. Collection method: clinical testing. Allele origin: germline.
Comment: The p.R167W variant (also known as c.499C>T), located in coding exon 3 of the SMARCA4 gene, results from a C to T substitution at nucleotide position 499. The arginine at codon 167 is replaced by tryptophan, an amino acid with dissimilar properties. This variant was detected as heterozygous in individual(s) with no reported features of Coffin-Siris syndrome (Ambry internal data). This amino acid position is well conserved in available vertebrate species. In addition, the in silico prediction for this alteration is inconclusive. Based on the supporting evidence, the association of this variant with rhabdoid tumor predisposition syndrome is unknown; however, the association of this variant with Coffin-Siris syndrome is unlikely.

Labcorp Genetics (formerly Invitae), Labcorp
Classification: Uncertain significance for Rhabdoid tumor predisposition syndrome 2. Last evaluated: 2025-11-05. Review status: criteria provided, single submitter. Criteria: Invitae Variant Classification Sherloc (09022015). Collection method: clinical testing. Allele origin: germline.
Comment: This sequence change replaces arginine, which is basic and polar, with tryptophan, which is neutral and slightly polar, at codon 167 of the SMARCA4 protein (p.Arg167Trp). This variant is present in population databases (rs11537673, gnomAD 0.006%). This variant has not been reported in the literature in individuals affected with SMARCA4-related conditions. ClinVar contains an entry for this variant (Variation ID: 470430). Invitae Evidence Modeling of protein sequence and biophysical properties (such as structural, functional, and spatial information, amino acid conservation, physicochemical variation, residue mobility, and thermodynamic stability) indicates that this missense variant is not expected to disrupt SMARCA4 protein function with a negative predictive value of 95%. In summary, the available evidence is currently insufficient to determine the role of this variant in disease. Therefore, it has been classified as a Variant of Uncertain Significance.

Blueprint Genetics
Classification: Uncertain significance. Last evaluated: 2023-10-18. Review status: criteria provided, single submitter. Criteria: ACMG Guidelines, 2015. Collection method: clinical testing. Allele origin: germline.

GeneDx
Classification: Uncertain significance. Last evaluated: 2023-08-01. Review status: criteria provided, single submitter. Criteria: GeneDx Variant Classification Process June 2021. Collection method: clinical testing. Allele origin: germline. Affected: yes.
Comment: In silico analysis supports that this missense variant has a deleterious effect on protein structure/function; Has not been previously published as pathogenic or benign to our knowledge

Genome-Nilou Lab
Classification: Uncertain significance for Intellectual disability, autosomal dominant 16. Last evaluated: 2021-07-15. Review status: criteria provided, single submitter. Criteria: ACMG Guidelines, 2015. Collection method: clinical testing. Allele origin: germline. Affected: no.

PreventionGenetics, part of Exact Sciences
Classification: Uncertain significance for SMARCA4-related condition. Last evaluated: 2024-06-05. Review status: no assertion criteria provided. Collection method: clinical testing. Allele origin: germline. Not counted in ClinVar's aggregate classification.
Comment: The SMARCA4 c.499C>T variant is predicted to result in the amino acid substitution p.Arg167Trp. To our knowledge, this variant has not been reported in the literature. The highest reported population frequency of this variant is 0.0057% in individuals of Latino ancestry in gnomAD and is interpreted as a variant of uncertain significance by multiple submitters in ClinVar. At this time, the clinical significance of this variant is uncertain due to the absence of conclusive functional and genetic evidence.

NM_003072.5(SMARCA4):c.499C>T (p.Arg167Trp)

Gene: SMARCA4 (SWI/SNF related BAF chromatin remodeling complex subunit ATPase 4; plus strand). Cytogenetic location: 19p13.2.
Variant type: single nucleotide variant.
Coding change: c.499C>T on transcript NM_003072.5 (MANE Select); coding-DNA position 499, C replaced by T.
Protein change: p.Arg167Trp; replaces arginine 167 with tryptophan.
Molecular consequence: missense variant. On other transcripts: non-coding transcript variant (1).
Genome position (GRCh38, 1-based): chr19:10,986,332, C>T. VCF-style: chr19-10986332-C-T. GRCh37 (hg19) VCF-style: chr19-11097008-C-T.
Other names: c.499C>T, p.Arg167Trp (NM_001128844.3, NM_001128845.2, NM_001128846.2 and 5 more transcripts); short protein forms R167W.
Identifiers: ClinVar variation 470430 (VCV000470430.20), dbSNP rs11537673, ClinGen allele CA9203517.